The following is an entry in ClinVar:

ClinVar aggregate classification (germline): Uncertain significance (1 of 4 stars; one submission).

gnomAD v4.1: 7 of 1,613,158 alleles (0.00043%); highest among the groups gnomAD compares: Admixed American, 0.0083%; no homozygotes.

Submission:

Women's Health and Genetics/Laboratory Corporation of America, LabCorp
Classification: Uncertain significance. Last evaluated: 2026-03-25. Review status: criteria provided, single submitter. Criteria: LabCorp Variant Classification Summary - May 2015. Collection method: clinical testing. Allele origin: germline.
Comment: Variant summary: TTN c.31742-166G>A is located at a position not widely known to affect splicing. This variant corresponds to c.38989G>A, p.Glu12997Lys in NM_001267550. The variant allele was found at a frequency of 4e-06 in 247038 control chromosomes. The available data on variant occurrences in the general population are insufficient to allow any conclusion about variant significance. To our knowledge, no occurrence of c.31742-166G>A in individuals affected with TTN-related conditions and no experimental evidence demonstrating its impact on protein function have been reported. No submitters have cited clinical-significance assessments for this variant to ClinVar. Based on the evidence outlined above, the variant was classified as uncertain significance.

NM_001267550.2(TTN):c.38989G>A (p.Glu12997Lys)

Gene: TTN (titin; minus strand). Cytogenetic location: 2q31.2.
Variant type: single nucleotide variant.
Coding change: c.38989G>A on transcript NM_001267550.2 (MANE Select); coding-DNA position 38989, G replaced by A.
Protein change: p.Glu12997Lys; replaces glutamic acid 12997 with lysine.
Molecular consequence: missense variant. On other transcripts: intron variant (5).
Genome position (GRCh38, 1-based): chr2:178,652,707, C>T on the plus strand (G>A on the coding strand, the complement: TTN is on the minus strand). VCF-style: chr2-178652707-C-T. GRCh37 (hg19) VCF-style: chr2-179517434-C-T.
Other names: c.13283-10390G>A (NM_003319.4); c.13859-10390G>A (NM_133437.4); c.13658-10390G>A (NM_133432.3); c.31742-166G>A (NM_133378.4); c.34523-166G>A (NM_001256850.1); short protein forms E12997K.
Identifiers: ClinVar variation 4847685 (VCV004847685.1).